The following is an entry in ClinVar:

NM_000038.6(APC):c.2575G>C (p.Gly859Arg)

Gene: APC (APC regulator of Wnt signaling pathway; plus strand). Cytogenetic location: 5q22.2.
Variant type: single nucleotide variant.
Coding change: c.2575G>C on transcript NM_000038.6 (MANE Select); coding-DNA position 2575, G replaced by C.
Protein change: p.Gly859Arg; replaces glycine 859 with arginine.
Molecular consequence: missense variant.
Genome position (GRCh38, 1-based): chr5:112,838,169, G>C. VCF-style: chr5-112838169-G-C. GRCh37 (hg19) VCF-style: chr5-112173866-G-C.
Other names: c.2575G>C, p.Gly859Arg (NM_001127510.3, NM_001354895.2); c.2521G>C, p.Gly841Arg (NM_001127511.3); c.2629G>C, p.Gly877Arg (NM_001354896.2); c.2605G>C, p.Gly869Arg (NM_001354897.2); c.2500G>C, p.Gly834Arg (NM_001354898.2); c.2491G>C, p.Gly831Arg (NM_001354899.2); c.2452G>C, p.Gly818Arg (NM_001354900.2); c.2398G>C, p.Gly800Arg (NM_001354901.2); and 5 more; short protein forms G841R, G859R, G758R, G800R, G818R, G831R, G733R, G576R.
Identifiers: ClinVar variation 469757 (VCV000469757.25), dbSNP rs919202692, ClinGen allele CA16026974.

ClinVar aggregate classification (germline): Uncertain significance. Review status: criteria provided, multiple submitters, no conflicts (2 of 4 stars). 6 submissions from 6 submitters: Uncertain significance (6). Last evaluated 2025-12-29.

Conditions:
Hereditary cancer-predisposing syndrome. Also called: Hereditary neoplastic syndrome; Neoplastic Syndromes, Hereditary; Tumor predisposition; Hereditary Cancer Syndrome. Identifiers: Orphanet 140162, MedGen C0027672, MeSH D009386, MONDO:0015356.
Familial adenomatous polyposis 1 (FAP1). Also called: POLYPOSIS, ADENOMATOUS INTESTINAL; FAMILIAL ADENOMATOUS POLYPOSIS 1, ATTENUATED. Identifiers: MedGen C2713442, MONDO:0021056, OMIM 175100. Disease mechanism: loss of function.
Classic or attenuated familial adenomatous polyposis. Identifiers: MedGen CN372698, MONDO:0021057.

Allele frequency attached by ClinVar (database versions not stated): gnomAD exomes 0.00001; TOPMed 0.00001.

Submissions (6):

Labcorp Genetics (formerly Invitae), Labcorp
Classification: Uncertain significance for Familial adenomatous polyposis 1. Last evaluated: 2025-12-29. Review status: criteria provided, single submitter. Criteria: Invitae Variant Classification Sherloc (09022015). Collection method: clinical testing. Allele origin: germline.
Comment: This sequence change replaces glycine, which is neutral and non-polar, with arginine, which is basic and polar, at codon 859 of the APC protein (p.Gly859Arg). This variant is not present in population databases (gnomAD no frequency). This variant has not been reported in the literature in individuals affected with APC-related conditions. ClinVar contains an entry for this variant (Variation ID: 469757). Invitae Evidence Modeling of protein sequence and biophysical properties (such as structural, functional, and spatial information, amino acid conservation, physicochemical variation, residue mobility, and thermodynamic stability) indicates that this missense variant is not expected to disrupt APC protein function with a negative predictive value of 95%. In summary, the available evidence is currently insufficient to determine the role of this variant in disease. Therefore, it has been classified as a Variant of Uncertain Significance.

Ambry Genetics
Classification: Uncertain significance for Hereditary cancer-predisposing syndrome. Last evaluated: 2025-11-27. Review status: criteria provided, single submitter. Criteria: Ambry Variant Classification Scheme 2023. Collection method: clinical testing. Allele origin: germline.
Comment: The p.G859R variant (also known as c.2575G>C), located in coding exon 15 of the APC gene, results from a G to C substitution at nucleotide position 2575. The glycine at codon 859 is replaced by arginine, an amino acid with dissimilar properties. This amino acid position is not well conserved in available vertebrate species. In addition, in silico predictors for this gene do not accurately predict pathogenicity. Since supporting evidence is limited at this time, the clinical significance of this alteration remains unclear.

Color Diagnostics, LLC DBA Color Health
Classification: Uncertain significance for Hereditary cancer-predisposing syndrome. Last evaluated: 2024-02-20. Review status: criteria provided, single submitter. Criteria: ACMG Guidelines, 2015. Collection method: clinical testing. Allele origin: germline.
Comment: This missense variant replaces glycine with arginine at codon 859 of the APC protein. Computational prediction suggests that this variant may not impact protein structure and function (internally defined REVEL score threshold <= 0.5, PMID: 27666373). To our knowledge, functional studies have not been reported for this variant. This variant has not been reported in individuals affected with APC-related disorders in the literature. This variant has not been identified in the general population by the Genome Aggregation Database (gnomAD). The available evidence is insufficient to determine the role of this variant in disease conclusively. Therefore, this variant is classified as a Variant of Uncertain Significance.

All of Us Research Program, National Institutes of Health
Classification: Uncertain significance for Classic or attenuated familial adenomatous polyposis. Last evaluated: 2023-11-30. Review status: criteria provided, single submitter. Criteria: ACMG Guidelines, 2015. Collection method: clinical testing. Allele origin: germline. Inheritance: Autosomal dominant inheritance. Observed: 3 variant alleles, 3 heterozygotes.
Comment: This missense variant replaces glycine with arginine at codon 859 of the APC protein. Computational prediction tools and conservation analyses are inconclusive regarding the impact of this variant on protein structure and function. Splice site prediction tools suggest that this variant may not impact RNA splicing. To our knowledge, functional studies have not been performed for this variant. This variant has not been reported in individuals affected with hereditary cancer in the literature. This variant has not been identified in the general population by the Genome Aggregation Database (gnomAD). The available evidence is insufficient to determine the role of this variant in disease conclusively. Therefore, this variant is classified as a Variant of Uncertain Significance.

This study involves interpretation of variants in research participants for the purpose of population health screening. Participant phenotype was not available at the time of variant classification. Additional details can be found in publication PMID: 35346344, PMCID: PMC8962531

GeneDx
Classification: Uncertain significance. Last evaluated: 2022-12-28. Review status: criteria provided, single submitter. Criteria: GeneDx Variant Classification Process June 2021. Collection method: clinical testing. Allele origin: germline. Affected: yes.
Comment: Not observed at significant frequency in large population cohorts (gnomAD); In silico analysis supports that this missense variant does not alter protein structure/function; Has not been previously published as pathogenic or benign to our knowledge

St. Jude Molecular Pathology, St. Jude Children's Research Hospital
Classification: Uncertain significance for Familial adenomatous polyposis 1. Last evaluated: 2021-05-13. Review status: criteria provided, single submitter. Criteria: St. Jude Assertion Criteria 2020. Collection method: clinical testing. Allele origin: germline.
Comment: The APC c.2575G>C (p.Gly859Arg) missense change is absent in gnomAD v2.1.1 (PM2_supporting). Six of seven in silico tools predict a benign effect of this variant on protein function, but to our knowledge these predictions have not been confirmed by functional assays. To our knowledge, this variant has not been reported in individuals with familial adenomatous polyposis. In summary, this variant meets criteria to be classified as of uncertain significance based on the ACMG/AMP criteria: PM2_supporting.